The following is an entry in ClinVar:

NM_000368.5(TSC1):c.2866C>T (p.Gln956Ter)

Gene: TSC1 (TSC complex subunit 1; minus strand). Cytogenetic location: 9q34.13.
Variant type: single nucleotide variant.
Coding change: c.2866C>T on transcript NM_000368.5 (MANE Select); coding-DNA position 2866, C replaced by T.
Protein change: p.Gln956Ter; replaces glutamine 956 with a stop codon.
Molecular consequence: nonsense.
Genome position (GRCh38, 1-based): chr9:132,897,293, G>A on the plus strand (C>T on the coding strand, the complement: TSC1 is on the minus strand). VCF-style: chr9-132897293-G-A. GRCh37 (hg19) VCF-style: chr9-135772680-G-A.
Other names: c.2863C>T, p.Gln955Ter (NM_001162426.2); c.2713C>T, p.Gln905Ter (NM_001162427.2); c.2503C>T, p.Gln835Ter (NM_001362177.2); short protein forms Q956*, Q835*, Q905*, Q955*.
Identifiers: ClinVar variation 545991 (VCV000545991.6), dbSNP rs1554813331, ClinGen allele CA375368834.

ClinVar aggregate classification (germline): Pathogenic. Review status: criteria provided, multiple submitters, no conflicts (2 of 4 stars). 3 submissions from 3 submitters: Pathogenic (2). 1 of the submissions does not count toward it. Last evaluated 2024-05-28.

Conditions:
Malignant tumor of urinary bladder. Also called: Bladder cancer; Urinary bladder cancer; Urinary Bladder Neoplasms. Identifiers: MedGen C0005684, MONDO:0001187, OMIM 109800.
Hereditary cancer-predisposing syndrome. Also called: Neoplastic Syndromes, Hereditary; Hereditary Cancer Syndrome; Tumor predisposition; Hereditary neoplastic syndrome. Identifiers: Orphanet 140162, MedGen C0027672, MeSH D009386, MONDO:0015356.

Submissions (3):

Ambry Genetics
Classification: Pathogenic for Hereditary cancer-predisposing syndrome. Last evaluated: 2024-05-28. Review status: criteria provided, single submitter. Criteria: Ambry Variant Classification Scheme 2023. Collection method: clinical testing. Allele origin: germline.
Comment: The p.Q956* pathogenic mutation (also known as c.2866C>T), located in coding exon 20 of the TSC1 gene, results from a C to T substitution at nucleotide position 2866. This changes the amino acid from a glutamine to a stop codon within coding exon 20. This variant is considered to be rare based on population cohorts in the Genome Aggregation Database (gnomAD). This alteration is expected to result in loss of function by premature protein truncation or nonsense-mediated mRNA decay. As such, this alteration is interpreted as a disease-causing mutation.

GeneDx
Classification: Pathogenic. Last evaluated: 2022-04-05. Review status: criteria provided, single submitter. Criteria: GeneDx Variant Classification Process June 2021. Collection method: clinical testing. Allele origin: germline. Affected: yes.
Comment: Nonsense variant predicted to result in protein truncation or nonsense mediated decay in a gene for which loss of function is a known mechanism of disease; Not observed at significant frequency in large population cohorts (gnomAD)

Laboratory of Urology, Hospital Clinic de Barcelona
Classification: Pathogenic for Malignant tumor of urinary bladder. Review status: no assertion criteria provided. Collection method: research. Allele origin: somatic. Affected: yes. Not counted in ClinVar's aggregate classification.